The following is an entry in ClinVar:

ClinVar aggregate classification (germline): Uncertain significance (1 of 4 stars; one submission).

Conditions:
PPARG-related disorder. Also called: PPARG-related disorders; PPARG-related condition.

Submission:

PreventionGenetics, part of Exact Sciences
Classification: Uncertain significance for PPARG-related condition. Last evaluated: 2026-05-12. Review status: criteria provided, single submitter. Criteria: ACMG Guidelines, 2015. Collection method: clinical testing. Allele origin: germline.
Comment: The PPARG c.347_349delATT variant is predicted to result in an in-frame deletion (p.Tyr116del). To our knowledge, this variant has not been reported in the literature or in a large population database (gnomAD), indicating this variant is rare. At this time, the clinical significance of this variant is uncertain due to the absence of conclusive functional and genetic evidence.

NM_138711.6(PPARG):c.254ATT[1] (p.Tyr86del)

Gene: PPARG (peroxisome proliferator activated receptor gamma; plus strand). Cytogenetic location: 3p25.2.
Variant type: Microsatellite.
Coding change: c.254ATT[1] on transcript NM_138711.6 (MANE Select); one copy of the 3-base unit ATT starting at c.254; the reference has two copies in a row; one copy, 3 bases deleted.
Protein change: p.Tyr86del; deletes tyrosine 86.
Molecular consequence: inframe deletion. On other transcripts: 5 prime UTR variant (1).
Genome position (GRCh38, 1-based): chr3:12,381,358-12,381,360, ATT deleted; deleting any 3 consecutive bases within chr3:12,381,353-12,381,360 gives the same sequence; the position shown is the placement nearest the transcript's 3' end. VCF-style (leftmost placement, unchanged base first): chr3-12381352-CTTA-C. GRCh37 (hg19) VCF-style: chr3-12422851-CTTA-C.
Other names: c.254ATT[1], p.Tyr86del (NM_001330615.4, NM_001354666.3, NM_001354667.3 and 6 more transcripts); c.344ATT[1], p.Tyr116del (NM_001354668.2, NM_001374265.1, NM_015869.5); c.-174ATT[1] (NM_001354669.2); c.260ATT[1], p.Tyr88del (NM_001354670.2, NM_001374266.1); short protein forms Y116del, Y86del, Y88del.
Identifiers: ClinVar variation 4991712 (VCV004991712.1).